The following is an entry in ClinVar:

ClinVar aggregate classification (germline): Uncertain significance (1 of 4 stars; one submission).

Conditions:
Syndromic X-linked intellectual disability Najm type (MICPCH). Also called: Intellectual Disability and Microcephaly with Pontine and Cerebellar Hypoplasia; Intellectual Disability and Microcephaly with Pontine and Cerebellar Hypoplasia (MICPCH); MICPCH SYNDROME; Intellectual developmental disorder and microcephaly with pontine and cerebellar hypoplasia; Mental retardation and microcephaly with pontine and cerebellar hypoplasia; MENTAL RETARDATION, X-LINKED, SYNDROMIC, NAJM TYPE. Identifiers: Orphanet 163937, MedGen C2677903, MONDO:0010417, OMIM 300749.

Submission:

3billion
Classification: Uncertain significance for Syndromic X-linked intellectual disability Najm type. Last evaluated: 2025-12-22. Review status: criteria provided, single submitter. Criteria: ACMG Guidelines, 2015. Collection method: clinical testing. Allele origin: germline. Affected: yes.
Comment: The variant is not observed in the gnomAD v4.1.0 dataset. Predicted Consequence/Location: Missense variant In silico tools predict the variant to alter splicing and produce an abnormal transcript [SpliceAI: 0.70 (>=0.2, moderate evidence for spliceogenicity)]. Therefore, this variant is classified as VUS according to the recommendation of ACMG/AMP guideline.

NM_001367721.1(CASK):c.2520G>C (p.Gln840His)

Gene: CASK (calcium/calmodulin dependent serine protein kinase; minus strand). Cytogenetic location: Xp11.4.
Variant type: single nucleotide variant.
Coding change: c.2520G>C on transcript NM_001367721.1 (MANE Select); coding-DNA position 2520, G replaced by C.
Protein change: p.Gln840His; replaces glutamine 840 with histidine.
Molecular consequence: missense variant.
Genome position (GRCh38, 1-based): chrX:41,531,007, C>G on the plus strand (G>C on the coding strand, the complement: CASK is on the minus strand). VCF-style: chrX-41531007-C-G. GRCh37 (hg19) VCF-style: chrX-41390260-C-G.
Other names: c.2436G>C, p.Gln812His (NM_001126054.3); c.2433G>C, p.Gln811His (NM_001126055.3); c.2502G>C, p.Gln834His (NM_001410745.1); c.2505G>C, p.Gln835His (NM_003688.4); short protein forms Q811H, Q812H, Q834H, Q835H, Q840H.
Identifiers: ClinVar variation 4856359 (VCV004856359.1).